The following is an entry in ClinVar:

ClinVar aggregate classification (germline): Benign/Likely benign. Review status: criteria provided, multiple submitters, no conflicts (2 of 4 stars). 6 submissions from 4 submitters: Benign (4); Likely benign (2). Last evaluated 2021-12-05.

Conditions:
ANO5-Related Muscle Diseases. Identifiers: MedGen CN180644.
Gnathodiaphyseal dysplasia (GDD). Also called: GNATHODIAPHYSEAL SCLEROSIS; OSTEOGENESIS IMPERFECTA WITH UNUSUAL SKELETAL LESIONS. Identifiers: Orphanet 53697, MedGen C1833736, MONDO:0008151, OMIM 166260.
Autosomal recessive limb-girdle muscular dystrophy type 2L (LGMDR12). Also called: Limb-girdle muscular dystrophy, type 2L; Limb-Girdle Muscular Dystrophy R12 Anoctamin-5-Related (LGMD-R12); MUSCULAR DYSTROPHY, LIMB-GIRDLE, AUTOSOMAL RECESSIVE 12. Identifiers: Orphanet 206549, MedGen C1969785, MONDO:0012652, OMIM 611307.
Miyoshi muscular dystrophy 3 (MMD3). Also called: Miyoshi Muscular Dystrophy 3 (MMD3); Miyoshi myopathy 3. Identifiers: Orphanet 399096, MedGen C2750076, MONDO:0013222, OMIM 613319.

Allele frequency attached by ClinVar (database versions not stated): gnomAD 0.00911 and 0.01416; TOPMed 0.01339; 1000 Genomes Project 30x 0.06137; 1000 Genomes Project 0.06709.

Submissions (8):

Genome-Nilou Lab
Classification: Benign for Gnathodiaphyseal dysplasia. Last evaluated: 2021-12-05. Review status: criteria provided, single submitter. Criteria: ACMG Guidelines, 2015. Collection method: clinical testing. Allele origin: germline. Affected: no.

Genome-Nilou Lab
Classification: Benign for Miyoshi muscular dystrophy 3. Last evaluated: 2021-12-05. Review status: criteria provided, single submitter. Criteria: ACMG Guidelines, 2015. Collection method: clinical testing. Allele origin: germline. Affected: no.

Genome-Nilou Lab
Classification: Benign for Autosomal recessive limb-girdle muscular dystrophy type 2L. Last evaluated: 2021-12-05. Review status: criteria provided, single submitter. Criteria: ACMG Guidelines, 2015. Collection method: clinical testing. Allele origin: germline. Affected: no.

GeneDx
Classification: Likely benign. Last evaluated: 2021-05-13. Review status: criteria provided, single submitter. Criteria: GeneDx Variant Classification Process June 2021. Collection method: clinical testing. Allele origin: germline. Affected: yes.

Illumina Laboratory Services, Illumina
Classification: Benign for ANO5-Related Muscle Diseases. Last evaluated: 2018-01-13. Review status: criteria provided, single submitter. Criteria: ICSL Variant Classification Criteria 13 December 2019. Collection method: clinical testing. Allele origin: germline.
Comment: This variant was observed in the ICSL laboratory as part of a predisposition screen in an ostensibly healthy population. It had not been previously curated by ICSL or reported in the Human Gene Mutation Database (HGMD: prior to June 1st, 2018), and was therefore a candidate for classification through an automated scoring system. Utilizing variant allele frequency, disease prevalence and penetrance estimates, and inheritance mode, an automated score was calculated to assess if this variant is too frequent to cause the disease. Based on the score and internal cut-off values, a variant classified as benign is not then subjected to further curation. The score for this variant resulted in a classification of benign for this disease.

Breakthrough Genomics
Classification: Likely benign. Review status: criteria provided, single submitter. Criteria: ACMG Guidelines, 2015. Collection method: not provided. Allele origin: germline. Inheritance: Autosomal recessive inheritance. Affected: yes.

Dr. Peter K. Rogan Lab, Western University
No classification provided (evidence only). Condition: Ovarian serous cystadenocarcinoma. Review status: no classification provided. Collection method: in vitro. Allele origin: not applicable. Functional consequence: retained intron. Not counted in ClinVar's aggregate classification.

Dr. Peter K. Rogan Lab, Western University
No classification provided (evidence only). Condition: Ovarian serous cystadenocarcinoma. Review status: no classification provided. Collection method: in vitro. Allele origin: not applicable. Functional consequence: retained intron. Not counted in ClinVar's aggregate classification.

NM_213599.3(ANO5):c.*1429A>G

Gene: ANO5 (anoctamin 5; plus strand). Cytogenetic location: 11p14.3.
Variant type: single nucleotide variant.
Coding change: c.*1429A>G on transcript NM_213599.3 (MANE Select); 1429 bases downstream of the stop codon, A replaced by G.
Molecular consequence: 3 prime UTR variant.
Genome position (GRCh38, 1-based): chr11:22,281,194, A>G. VCF-style: chr11-22281194-A-G. GRCh37 (hg19) VCF-style: chr11-22302740-A-G.
Other names: NC_000011.9:g.22302740A>G; c.*1429A>G (NM_001142649.2).
Identifiers: ClinVar variation 304133 (VCV000304133.10), dbSNP rs78143145, ClinGen allele CA10630638.